The following is an entry in ClinVar:

ClinVar aggregate classification (germline): Conflicting classifications of pathogenicity. Review status: criteria provided, conflicting classifications (1 of 4 stars). 2 submissions from 1 submitter: Uncertain significance (1); Likely benign (1). Last evaluated 2018-01-13.

Conditions:
Spinocerebellar ataxia, autosomal recessive, with axonal neuropathy 2 (SCAN2). Also called: ATAXIA-OCULOMOTOR APRAXIA 2; Ataxia-ocular apraxia-2; Ataxia with Oculomotor Apraxia; Ataxia with Oculomotor Apraxia Type 2. Identifiers: Orphanet 64753, MedGen C1853761, MONDO:0018996, OMIM 606002.
Amyotrophic lateral sclerosis type 4 (ALS4). Also called: AMYOTROPHIC LATERAL SCLEROSIS 4, JUVENILE; NEURONOPATHY, DISTAL HEREDITARY MOTOR, WITH PYRAMIDAL FEATURES. Identifiers: Orphanet 357043, MedGen C1865409, MONDO:0011223, OMIM 602433.

Allele frequency attached by ClinVar (database versions not stated): gnomAD 0.00017 and 0.00026; TOPMed 0.00063; 1000 Genomes Project 0.00100; 1000 Genomes Project 30x 0.00109.

Submissions (2):

Illumina Laboratory Services, Illumina
Classification: Uncertain significance for Spinocerebellar ataxia, autosomal recessive, with axonal neuropathy 2. Last evaluated: 2018-01-13. Review status: criteria provided, single submitter. Criteria: ICSL Variant Classification Criteria 13 December 2019. Collection method: clinical testing. Allele origin: germline.

Illumina Laboratory Services, Illumina
Classification: Likely benign for Amyotrophic lateral sclerosis type 4. Last evaluated: 2018-01-13. Review status: criteria provided, single submitter. Criteria: ICSL Variant Classification Criteria 13 December 2019. Collection method: clinical testing. Allele origin: germline.
Comment: This variant was observed in the ICSL laboratory as part of a predisposition screen in an ostensibly healthy population. It had not been previously curated by ICSL or reported in the Human Gene Mutation Database (HGMD: prior to June 1st, 2018), and was therefore a candidate for classification through an automated scoring system. Utilizing variant allele frequency, disease prevalence and penetrance estimates, and inheritance mode, an automated score was calculated to assess if this variant is too frequent to cause the disease. Based on the score and internal cut-off values, a variant classified as likely benign is not then subjected to further curation. The score for this variant resulted in a classification of likely benign for this disease.

NM_015046.7(SETX):c.-123C>A

Genes: SETX (senataxin; minus strand), LOC126860783 (CDK7 strongly-dependent group 2 enhancer GRCh37_chr9:135229958-135231157; plus strand). Cytogenetic location: 9q34.13.
Variant type: single nucleotide variant.
Coding change: c.-123C>A on transcript NM_015046.7 (MANE Select); 123 bases upstream of the start codon, C replaced by A.
Molecular consequence: 5 prime UTR variant.
Genome position (GRCh38, 1-based): chr9:132,354,925, G>T on the plus strand (C>A on the coding strand, the complement: SETX is on the minus strand). VCF-style: chr9-132354925-G-T. GRCh37 (hg19) VCF-style: chr9-135230312-G-T.
Other names: c.-123C>A (NM_001351528.2).
Identifiers: ClinVar variation 912714 (VCV000912714.5), dbSNP rs184570956, ClinGen allele CA200843592.